The following is an entry in ClinVar:

ClinVar aggregate classification (germline): Likely pathogenic (1 of 4 stars; one submission).

Conditions:
Long QT syndrome 2 (LQT2). Identifiers: Orphanet 101016, Orphanet 768, MedGen C3150943, MONDO:0013367, OMIM 613688.

Submission:

Kids Neuroscience Centre, Sydney Children's Hospitals Network
Classification: Likely pathogenic for Long QT syndrome 2. Review status: criteria provided, single submitter. Criteria: Bournazos AM et al. (Genet Med 2021). Collection method: clinical testing. Allele origin: unknown. Inheritance: Autosomal dominant inheritance. Affected: yes. Observed: 1 heterozygote.
Comment: Detected one abnormal splicing event resulting from the c.1128+5_1128+15delinsAC variant, exon 5 skipping (r.917_1128del). This event induces a frameshift and encodes a premature termination codon, p.(Ala307Profs*10). These transcripts are predicted to be targeted by nonsense-mediated decay (NMD). Any mis-spliced KCNH2 transcripts that escape NMD encode KCNH2 protein lacking 852 amino acids from the C-terminus, including the ion transport domain and the cyclic-nucleotide binding domain.

NM_000238.4(KCNH2):c.1128+5_1128+15delinsAC

Gene: KCNH2 (potassium voltage-gated channel subfamily H member 2; minus strand). Cytogenetic location: 7q36.1.
Variant type: Indel.
Coding change: c.1128+5_1128+15delinsAC on transcript NM_000238.4 (MANE Select); bases 5 to 15 of the intron after coding-DNA position 1128, GCGCCCAGCGG replaced by AC.
Molecular consequence: intron variant.
Genome position (GRCh38, 1-based): chr7:150,957,276-150,957,286, CCGCTGGGCGC replaced by GT on the plus strand (GCGCCCAGCGG replaced by AC on the coding strand, the reverse complement: KCNH2 is on the minus strand). VCF-style: chr7-150957276-CCGCTGGGCGC-GT. GRCh37 (hg19) VCF-style: chr7-150654364-CCGCTGGGCGC-GT.
Other names: c.840+5_840+15delinsAC (NM_001406753.1, NM_001406756.1); c.1128+5_1128+15delinsAC (NM_172056.3); c.951+5_951+15delinsAC (NM_001406755.1); c.828+5_828+15delinsAC (NM_001406757.1).
Identifiers: ClinVar variation 1064627 (VCV001064627.5), dbSNP rs2116997026, ClinGen allele CA2499218800.